The following is an entry in ClinVar:

NM_003238.6(TGFB2):c.-4A>C

Gene: TGFB2 (transforming growth factor beta 2; plus strand). Cytogenetic location: 1q41.
Variant type: single nucleotide variant.
Coding change: c.-4A>C on transcript NM_003238.6 (MANE Select); 4 bases upstream of the start codon, A replaced by C.
Molecular consequence: 5 prime UTR variant. On other transcripts: non-coding transcript variant (2).
Genome position (GRCh38, 1-based): chr1:218,346,698, A>C. VCF-style: chr1-218346698-A-C. GRCh37 (hg19) VCF-style: chr1-218520040-A-C.
Other names: c.-4A>C (NM_001135599.4).
Identifiers: ClinVar variation 681541 (VCV000681541.1), dbSNP rs1571820524, ClinGen allele CA915944003.

ClinVar aggregate classification (germline): Likely benign (1 of 4 stars; one submission).

Submission:

GeneDx
Classification: Likely benign. Last evaluated: 2018-04-05. Review status: criteria provided, single submitter. Criteria: GeneDx Variant Classification (06012015). Collection method: clinical testing. Allele origin: germline. Affected: yes.
Comment: This variant is considered likely benign or benign based on one or more of the following criteria: it is a conservative change, it occurs at a poorly conserved position in the protein, it is predicted to be benign by multiple in silico algorithms, and/or has population frequency not consistent with disease.